The following is an entry in ClinVar:

NM_000439.5(PCSK1):c.550G>T (p.Glu184Ter)

Genes: CAST (calpastatin; plus strand), PCSK1 (proprotein convertase subtilisin/kexin type 1; minus strand), LOC101929710 (uncharacterized LOC101929710; plus strand). Cytogenetic location: 5q15.
Variant type: single nucleotide variant.
Coding change: c.550G>T on transcript NM_000439.5 (MANE Select); coding-DNA position 550, G replaced by T.
Protein change: p.Glu184Ter; replaces glutamic acid 184 with a stop codon.
Molecular consequence: nonsense. On other transcripts: intron variant (11).
Genome position (GRCh38, 1-based): chr5:96,421,950, C>A on the plus strand (G>T on the coding strand, the complement: PCSK1 is on the minus strand). VCF-style: chr5-96421950-C-A. GRCh37 (hg19) VCF-style: chr5-95757654-C-A.
Other names: c.409G>T, p.Glu137Ter (NM_001177875.2); c.-175+42298C>A (NM_001423254.1, NM_001423259.1, NM_001423255.1 and 6 more transcripts); c.-103+42298C>A (NM_001423253.1); c.-40+42298C>A (NM_001423258.1); short protein forms E184*, E137*.
Identifiers: ClinVar variation 5001145 (VCV005001145.1).
Genomic context (GRCh38, chr5:96,421,950, plus strand): 5'-TTGTGGGATCATATCGGGGAAATGGATCATGGTCATTATCATTAAAATCATAGCTAGCCT[C>A]TGGATCCTAAAGAGACAACAAAATATAACACTGTGGCAGCATTAAAAAAAAAAAAAAAAA-3'

ClinVar aggregate classification (germline): Likely pathogenic (1 of 4 stars; one submission).

Conditions:
PCSK1-related disorder. Also called: PCSK1-related condition.

Submission:

PreventionGenetics, part of Exact Sciences
Classification: Likely pathogenic for PCSK1-related condition. Last evaluated: 2024-12-14. Review status: criteria provided, single submitter. Criteria: ACMG Guidelines, 2015. Collection method: clinical testing. Allele origin: germline.
Comment: The PCSK1 c.550G>T variant is predicted to result in premature protein termination (p.Glu184*). To our knowledge, this variant has not been reported in the literature or in a large population database (gnomAD), indicating this variant is rare. Nonsense variants in PCSK1 are expected to be pathogenic. This variant is interpreted as likely pathogenic.